The following is an entry in ClinVar:

ClinVar aggregate classification (germline): Uncertain significance (1 of 4 stars; one submission).

Submission:

Ambry Genetics
Classification: Uncertain significance. Last evaluated: 2021-06-09. Review status: criteria provided, single submitter. Criteria: Ambry Variant Classification Scheme 2023. Collection method: clinical testing. Allele origin: germline.
Comment: The p.L416F variant (also known as c.1248G>C), located in coding exon 10 of the RECQL gene, results from a G to C substitution at nucleotide position 1248. The leucine at codon 416 is replaced by phenylalanine, an amino acid with highly similar properties. This amino acid position is highly conserved in available vertebrate species. In addition, the in silico prediction for this alteration is inconclusive. Since supporting evidence is limited at this time, the clinical significance of this alteration remains unclear.

NM_002907.4(RECQL):c.1248G>C (p.Leu416Phe)

Gene: RECQL (RecQ like helicase; minus strand). Cytogenetic location: 12p12.1.
Variant type: single nucleotide variant.
Coding change: c.1248G>C on transcript NM_002907.4 (MANE Select); coding-DNA position 1248, G replaced by C.
Protein change: p.Leu416Phe; replaces leucine 416 with phenylalanine.
Molecular consequence: missense variant.
Genome position (GRCh38, 1-based): chr12:21,474,948, C>G on the plus strand (G>C on the coding strand, the complement: RECQL is on the minus strand). VCF-style: chr12-21474948-C-G. GRCh37 (hg19) VCF-style: chr12-21627882-C-G.
Other names: c.1248G>C, p.Leu416Phe (NM_032941.3); short protein forms L416F.
Identifiers: ClinVar variation 1760054 (VCV001760054.2), dbSNP rs1256831118, ClinGen allele CA384118829.